The following is an entry in ClinVar:

NM_005859.5(PURA):c.221A>G (p.Tyr74Cys)

Gene: PURA (purine rich element binding protein A; plus strand). Cytogenetic location: 5q31.3.
Variant type: single nucleotide variant.
Coding change: c.221A>G on transcript NM_005859.5 (MANE Select); coding-DNA position 221, A replaced by G.
Protein change: p.Tyr74Cys; replaces tyrosine 74 with cysteine.
Molecular consequence: missense variant.
Genome position (GRCh38, 1-based): chr5:140,114,402, A>G. VCF-style: chr5-140114402-A-G. GRCh37 (hg19) VCF-style: chr5-139493987-A-G.
Other names: short protein forms Y74C.
Identifiers: ClinVar variation 1098403 (VCV001098403.2), dbSNP rs2126748837, ClinGen allele CA361490174.

ClinVar aggregate classification (germline): Likely pathogenic (1 of 4 stars; one submission).

Submission:

Genetics Laboratory, UDIAT-Centre Diagnòstic, Hospital Universitari Parc Tauli
Classification: Likely pathogenic. Last evaluated: 2021-04-26. Review status: criteria provided, single submitter. Criteria: Parc Tauli Hospital Assertion Criteria 2021. Collection method: clinical testing. Allele origin: de novo. Inheritance: Autosomal dominant inheritance. Affected: yes. Observed: 1 heterozygote.
Comment: PM2_supporting;PM6_moderate;PP2_supporting;PP3_supporting